The following is an entry in ClinVar:

NM_003482.4(KMT2D):c.14896C>T (p.Arg4966Trp)

Gene: KMT2D (lysine methyltransferase 2D; minus strand). Cytogenetic location: 12q13.12.
Variant type: single nucleotide variant.
Coding change: c.14896C>T on transcript NM_003482.4 (MANE Select); coding-DNA position 14896, C replaced by T.
Protein change: p.Arg4966Trp; replaces arginine 4966 with tryptophan.
Molecular consequence: missense variant.
Genome position (GRCh38, 1-based): chr12:49,027,070, G>A on the plus strand (C>T on the coding strand, the complement: KMT2D is on the minus strand). VCF-style: chr12-49027070-G-A. GRCh37 (hg19) VCF-style: chr12-49420853-G-A.
Other names: short protein forms R4966W.
Identifiers: ClinVar variation 2169569 (VCV002169569.6), dbSNP rs773818669, ClinGen allele CA6545642.

ClinVar aggregate classification (germline): Conflicting classifications of pathogenicity. Review status: criteria provided, conflicting classifications (1 of 4 stars). 2 submissions from 2 submitters: Uncertain significance (1); Likely benign (1). Last evaluated 2025-11-20.

Conditions:
Kabuki syndrome. Also called: NIIKAWA-KUROKI SYNDROME; Kabuki make-up syndrome. Identifiers: Orphanet 2322, MedGen C0796004, MONDO:0016512.
KMT2D-related disorder. Also called: KMT2D-Related Disorders.

Allele frequency attached by ClinVar (database versions not stated): ExAC 0.00001; gnomAD 0.00001; TOPMed 0.00001.
gnomAD v4.1: 32 of 1,613,406 alleles (0.002%); highest among the groups gnomAD compares: Non-Finnish European, 0.0024%; no homozygotes.

Submissions (2):

PreventionGenetics, part of Exact Sciences
Classification: Uncertain significance for KMT2D-related condition. Last evaluated: 2025-11-20. Review status: criteria provided, single submitter. Criteria: ACMG Guidelines, 2015. Collection method: clinical testing. Allele origin: germline.
Comment: The KMT2D c.14896C>T variant is predicted to result in the amino acid substitution p.Arg4966Trp. This variant was reported in an individual with Kabuki syndrome and in an individual from the control population (Table S3, Faundes et al. 2019. PubMed ID: 30459467). This variant is reported in 0.0029% of alleles in individuals of Latino descent in gnomAD. Although we suspect that this variant may be benign, at this time, the clinical significance of this variant is uncertain due to the absence of conclusive functional and genetic evidence.

Labcorp Genetics (formerly Invitae), Labcorp
Classification: Likely benign for Kabuki syndrome. Last evaluated: 2023-10-03. Review status: criteria provided, single submitter. Criteria: Invitae Variant Classification Sherloc (09022015). Collection method: clinical testing. Allele origin: germline.